The following is an entry in ClinVar:

NM_001184.4(ATR):c.1415C>G (p.Ser472Cys)

Gene: ATR (ATR checkpoint kinase; minus strand). Cytogenetic location: 3q23.
Variant type: single nucleotide variant.
Coding change: c.1415C>G on transcript NM_001184.4 (MANE Select); coding-DNA position 1415, C replaced by G.
Protein change: p.Ser472Cys; replaces serine 472 with cysteine.
Molecular consequence: missense variant. On other transcripts: intron variant (1).
Genome position (GRCh38, 1-based): chr3:142,560,389, G>C on the plus strand (C>G on the coding strand, the complement: ATR is on the minus strand). VCF-style: chr3-142560389-G-C. GRCh37 (hg19) VCF-style: chr3-142279231-G-C.
Other names: c.1349+854C>G (NM_001354579.2); short protein forms S472C.
Identifiers: ClinVar variation 1056032 (VCV001056032.11), dbSNP rs752635785, ClinGen allele CA2650602.

ClinVar aggregate classification (germline): Conflicting classifications of pathogenicity. Review status: criteria provided, conflicting classifications (1 of 4 stars). 2 submissions from 2 submitters: Uncertain significance (1); Likely benign (1). Last evaluated 2025-11-26.

Conditions:
Inborn genetic diseases. Identifiers: MedGen C0950123, MeSH D030342.

Allele frequency attached by ClinVar (database versions not stated): gnomAD exomes 0.00002 and 0.00001; gnomAD 0.00009; TOPMed 0.00009.
gnomAD v4.1: 25 of 1,613,390 alleles (0.0015%); highest among the groups gnomAD compares: African/African-American, 0.031%; no homozygotes.

Submissions (2):

Ambry Genetics
Classification: Likely benign for Inborn genetic diseases. Last evaluated: 2025-11-26. Review status: criteria provided, single submitter. Criteria: Ambry Variant Classification Scheme 2023. Collection method: clinical testing. Allele origin: germline.

Labcorp Genetics (formerly Invitae), Labcorp
Classification: Uncertain significance. Last evaluated: 2023-12-11. Review status: criteria provided, single submitter. Criteria: Invitae Variant Classification Sherloc (09022015). Collection method: clinical testing. Allele origin: germline.
Comment: This sequence change replaces serine, which is neutral and polar, with cysteine, which is neutral and slightly polar, at codon 472 of the ATR protein (p.Ser472Cys). This variant is present in population databases (rs752635785, gnomAD 0.04%). This variant has not been reported in the literature in individuals affected with ATR-related conditions. ClinVar contains an entry for this variant (Variation ID: 1056032). An algorithm developed to predict the effect of missense changes on protein structure and function (PolyPhen-2) suggests that this variant is likely to be disruptive. In summary, the available evidence is currently insufficient to determine the role of this variant in disease. Therefore, it has been classified as a Variant of Uncertain Significance.